The following is an entry in ClinVar:

ClinVar aggregate classification (germline): Uncertain significance (1 of 4 stars; one submission).

Conditions:
Anterior segment dysgenesis 7 (ASGD7). Also called: SCLEROCORNEA WITH OTHER OCULAR ANOMALIES; Anterior segment dysgenesis 7, with sclerocornea. Identifiers: Orphanet 289499, MedGen C3151617, MONDO:0010015, OMIM 269400.

Allele frequency attached by ClinVar (database versions not stated): gnomAD exomes 0.00002; TOPMed 0.00002; gnomAD 0.00004.
gnomAD v4.1: 38 of 1,579,948 alleles (0.0024%); highest among the groups gnomAD compares: East Asian, 0.0092%; no homozygotes.

Submission:

Labcorp Genetics (formerly Invitae), Labcorp
Classification: Uncertain significance for Anterior segment dysgenesis 7. Last evaluated: 2018-05-02. Review status: criteria provided, single submitter. Criteria: Invitae Variant Classification Sherloc (09022015). Collection method: clinical testing. Allele origin: germline.
Comment: This variant is not present in population databases (ExAC no frequency). In summary, the available evidence is currently insufficient to determine the role of this variant in disease. Therefore, it has been classified as a Variant of Uncertain Significance. Nucleotide substitutions within the consensus splice site are a relatively common cause of aberrant splicing (PMID: 17576681, 9536098). Algorithms developed to predict the effect of sequence changes on RNA splicing suggest that this variant is not likely to affect RNA splicing, but this prediction has not been confirmed by published transcriptional studies. This variant has not been reported in the literature in individuals with PXDN-related disease. This sequence change falls in intron 13 of the PXDN gene. It does not directly change the encoded amino acid sequence of the PXDN protein, but it affects a nucleotide within the consensus splice site of the intron.

Literature cited by the submitters: PubMed 17576681; PubMed 9536098.

NM_012293.3(PXDN):c.1680+6C>T

Gene: PXDN (peroxidasin; minus strand). Cytogenetic location: 2p25.3.
Variant type: single nucleotide variant.
Coding change: c.1680+6C>T on transcript NM_012293.3 (MANE Select); 6 bases into the intron after coding-DNA position 1680, C replaced by T.
Molecular consequence: intron variant.
Genome position (GRCh38, 1-based): chr2:1,662,066, G>A on the plus strand (C>T on the coding strand, the complement: PXDN is on the minus strand). VCF-style: chr2-1662066-G-A. GRCh37 (hg19) VCF-style: chr2-1665838-G-A.
Identifiers: ClinVar variation 574233 (VCV000574233.8), dbSNP rs930569592, ClinGen allele CA41411779.